The following is an entry in ClinVar:

NM_001370259.2(MEN1):c.1708_1728del (p.Ile570_Lys576del)

Gene: MEN1 (menin 1; minus strand). Cytogenetic location: 11q13.1.
Variant type: Deletion.
Coding change: c.1708_1728del on transcript NM_001370259.2 (MANE Select); coding-DNA positions 1708 to 1728, 21 bases deleted (ATCAACTCGAGCGCCATCAAG).
Protein change: p.Ile570_Lys576del.
Molecular consequence: inframe deletion.
Genome position (GRCh38, 1-based): chr11:64,804,439-64,804,459, CTTGATGGCGCTCGAGTTGAT deleted on the plus strand (ATCAACTCGAGCGCCATCAAG on the coding strand, the reverse complement: MEN1 is on the minus strand); deleting any 21 consecutive bases within chr11:64,804,439-64,804,463 gives the same sequence; the c. name uses the placement nearest the transcript's 3' end. VCF-style (leftmost placement, unchanged base first): chr11-64804438-GCTTGATGGCGCTCGAGTTGAT-G. GRCh37 (hg19) VCF-style: chr11-64571910-GCTTGATGGCGCTCGAGTTGAT-G.
Other names: c.1708_1728del21 (NM_130799.2); c.1723_1743del, p.Ile575_Lys581del (NM_000244.4, NM_130800.3, NM_130801.3 and 3 more transcripts); c.1834_1854del, p.Ile612_Lys618del (NM_001370251.2); c.1708_1728del, p.Ile570_Lys576del (NM_001370260.2, NM_001370261.2, NM_130799.3); c.1603_1623del, p.Ile535_Lys541del (NM_001370262.2, NM_001370263.2).
Identifiers: ClinVar variation 428068 (VCV000428068.10), dbSNP rs1555163115, ClinGen allele CA645369563.

ClinVar aggregate classification (germline): Conflicting classifications of pathogenicity. Review status: criteria provided, conflicting classifications (1 of 4 stars). 2 submissions from 2 submitters: Likely pathogenic (1); Uncertain significance (1). Last evaluated 2025-11-06.

Conditions:
Hereditary cancer-predisposing syndrome. Also called: Hereditary neoplastic syndrome; Tumor predisposition; Neoplastic Syndromes, Hereditary; Hereditary Cancer Syndrome. Identifiers: Orphanet 140162, MedGen C0027672, MeSH D009386, MONDO:0015356.
Multiple endocrine neoplasia, type 1 (MEN1). Also called: MEN I; Endocrine adenomatosis multiple; MEN 1; WERMER SYNDROME; MEA I. Identifiers: Orphanet 652, MedGen C0025267, MeSH D018761, MONDO:0007540, OMIM 131100.

Submissions (2):

Ambry Genetics
Classification: Likely pathogenic for Hereditary cancer-predisposing syndrome. Last evaluated: 2025-11-06. Review status: criteria provided, single submitter. Criteria: Ambry Variant Classification Scheme 2023. Collection method: clinical testing. Allele origin: germline.
Comment: The c.1708_1728del21 variant (also known as p.I570_K576del) is located in coding exon 9 of the MEN1 gene. This variant results from an in-frame deletion of 21 nucleotides (ATCAACTCGAGCGCCATCAAG) at positions 1708 to 1728. This results in the in-frame deletion of 7 amino acids (INSSAIK) at codons 570 to 576. This variant has been observed in at least one individual with a personal and/or family history that is consistent with multiple endocrine neoplasia type 1 (Ambry internal data). This amino acid region is well conserved in available vertebrate species and the impacted region is critical for protein function (Ambry internal data). In addition, this alteration is predicted to be deleterious by in silico analysis (Choi Y et al. PLoS ONE. 2012; 7(10):e46688). Based on the majority of available evidence to date, this variant is likely to be pathogenic.

Labcorp Genetics (formerly Invitae), Labcorp
Classification: Uncertain significance for Multiple endocrine neoplasia, type 1. Last evaluated: 2024-05-07. Review status: criteria provided, single submitter. Criteria: Invitae Variant Classification Sherloc (09022015). Collection method: clinical testing. Allele origin: germline.
Comment: This variant, c.1708_1728del, results in the deletion of 7 amino acid(s) of the MEN1 protein (p.Ile570_Lys576del), but otherwise preserves the integrity of the reading frame. This variant is not present in population databases (gnomAD no frequency). This variant has not been reported in the literature in individuals affected with MEN1-related conditions. ClinVar contains an entry for this variant (Variation ID: 428068). This variant disrupts a region of the MEN1 protein in which other variant(s) (p.Ile575Asn) have been observed in individuals with MEN1-related conditions (PMID: 16699310). This suggests that this is a clinically significant region of the protein, and that variants that disrupt it are likely to be disease-causing. In summary, the available evidence is currently insufficient to determine the role of this variant in disease. Therefore, it has been classified as a Variant of Uncertain Significance.

Literature cited by the submitters: PubMed 16699310 (cited by Labcorp Genetics (formerly Invitae), Labcorp).